The following is an entry in ClinVar:

ClinVar aggregate classification (germline): Uncertain significance (1 of 4 stars; one submission).

Submission:

Women's Health and Genetics/Laboratory Corporation of America, LabCorp
Classification: Uncertain significance. Last evaluated: 2024-10-09. Review status: criteria provided, single submitter. Criteria: LabCorp Variant Classification Summary - May 2015. Collection method: clinical testing. Allele origin: germline.
Comment: Variant summary: PIGM c.709dupA (p.Thr237AsnfsX12) results in a premature termination codon, predicted to cause a truncation of the encoded protein or absence of the protein due to nonsense mediated decay, however current evidence is not sufficient to establish loss of function as a mechanism for disease. The variant allele was found at a frequency of 4e-06 in 251382 control chromosomes. The available data on variant occurrences in the general population are insufficient to allow any conclusion about variant significance. To our knowledge, no occurrence of c.709dupA in individuals affected with Hypercoagulability Syndrome Due To Glycosylphosphatidylinositol Deficiency and no experimental evidence demonstrating its impact on protein function have been reported. No submitters have cited clinical-significance assessments for this variant to ClinVar. Based on the evidence outlined above, the variant was classified as uncertain significance.

NM_145167.3(PIGM):c.709dup (p.Thr237fs)

Gene: PIGM (phosphatidylinositol glycan anchor biosynthesis class M; minus strand). Cytogenetic location: 1q23.2.
Variant type: Duplication.
Coding change: c.709dup on transcript NM_145167.3 (MANE Select); coding-DNA position 709, one base duplicated (A; older notation c.709dupA).
Protein change: p.Thr237fs; shifts the reading frame from threonine 237.
Molecular consequence: frameshift variant.
Genome position (GRCh38, 1-based): chr1:160,031,031, T duplicated on the plus strand (A on the coding strand, the reverse complement: PIGM is on the minus strand). VCF-style (leftmost placement, unchanged base first): chr1-160031030-G-GT. GRCh37 (hg19) VCF-style: chr1-160000820-G-GT.
Other names: c.709dupA (NM_145167.3); short protein forms T237fs.
Identifiers: ClinVar variation 3384819 (VCV003384819.1).